The following is an entry in ClinVar:

NM_194454.3(KRIT1):c.896G>A (p.Gly299Glu)

Gene: KRIT1 (KRIT1 ankyrin repeat containing; minus strand). Cytogenetic location: 7q21.2.
Variant type: single nucleotide variant.
Coding change: c.896G>A on transcript NM_194454.3 (MANE Select); coding-DNA position 896, G replaced by A.
Protein change: p.Gly299Glu; replaces glycine 299 with glutamic acid.
Molecular consequence: missense variant. On other transcripts: intron variant (3).
Genome position (GRCh38, 1-based): chr7:92,234,542, C>T on the plus strand (G>A on the coding strand, the complement: KRIT1 is on the minus strand). VCF-style: chr7-92234542-C-T. GRCh37 (hg19) VCF-style: chr7-91863856-C-T.
Other names: c.182G>A, p.Gly61Glu (NM_001350671.1); c.896G>A, p.Gly299Glu (NM_001350672.1, NM_001350673.1, NM_001350674.1 and 26 more transcripts); c.845+266G>A (NM_001350669.1, NM_001013406.2, NM_001350670.1); short protein forms G299E, G61E.
Identifiers: ClinVar variation 2430407 (VCV002430407.4), dbSNP rs1432362332, ClinGen allele CA368157913.

ClinVar aggregate classification (germline): Uncertain significance. Review status: criteria provided, multiple submitters, no conflicts (2 of 4 stars). 4 submissions from 4 submitters: Uncertain significance (4). Last evaluated 2026-06-18.

Conditions:
Cerebral cavernous malformation (CCM). Also called: CAVERNOUS ANGIOMA, FAMILIAL; CAVERNOUS ANGIOMATOUS MALFORMATIONS; CEREBRAL CAPILLARY MALFORMATIONS; Cavernous Hemangioma of Brain; Cerebral cavernous hemangioma (type); Cerebral cavernous malformations. Identifiers: Orphanet 221061, MedGen C2919945, MONDO:0000820, OMIM 116860, HP:0033522.

Allele frequency attached by ClinVar (database versions not stated): gnomAD exomes below 0.00001; TOPMed 0.00001.

Submissions (4):

Women's Health and Genetics/Laboratory Corporation of America, LabCorp
Classification: Uncertain significance. Last evaluated: 2026-06-18. Review status: criteria provided, single submitter. Criteria: LabCorp Variant Classification Summary - May 2015. Collection method: clinical testing. Allele origin: germline.
Comment: Variant summary: KRIT1 c.896G>A (p.Gly299Glu) results in a non-conservative amino acid change in the encoded protein sequence. Algorithms developed to predict the effect of missense changes on protein structure and function all suggest that this variant is likely to be disruptive. The variant allele was found at a frequency of 4e-06 in 251408 control chromosomes. The available data on variant occurrences in the general population are insufficient to allow any conclusion about variant significance. To our knowledge, no occurrence of c.896G>A in individuals affected with KRIT1-related conditions and no experimental evidence demonstrating its impact on protein function have been reported. ClinVar contains an entry for this variant (Variation ID: 2430407). Based on the evidence outlined above, the variant was classified as uncertain significance.

Labcorp Genetics (formerly Invitae), Labcorp
Classification: Uncertain significance for Cerebral cavernous malformation. Last evaluated: 2025-12-09. Review status: criteria provided, single submitter. Criteria: Invitae Variant Classification Sherloc (09022015). Collection method: clinical testing. Allele origin: germline.
Comment: This sequence change replaces glycine, which is neutral and non-polar, with glutamic acid, which is acidic and polar, at codon 299 of the KRIT1 protein (p.Gly299Glu). This variant is present in population databases (no rsID available, gnomAD 0.0009%). This variant has not been reported in the literature in individuals affected with KRIT1-related conditions. ClinVar contains an entry for this variant (Variation ID: 2430407). Invitae Evidence Modeling of protein sequence and biophysical properties (such as structural, functional, and spatial information, amino acid conservation, physicochemical variation, residue mobility, and thermodynamic stability) indicates that this missense variant is not expected to disrupt KRIT1 protein function with a negative predictive value of 80%. In summary, the available evidence is currently insufficient to determine the role of this variant in disease. Therefore, it has been classified as a Variant of Uncertain Significance.

Clinical Genomics Laboratory, Washington University in St. Louis
Classification: Uncertain significance for Cerebral cavernous malformation. Last evaluated: 2025-10-16. Review status: criteria provided, single submitter. Criteria: ACMG Guidelines, 2015. Collection method: clinical testing. Allele origin: germline.
Comment: A KRIT1 c.896G>A (p.Gly299Glu) variant was identified at a near heterozygous allelic fraction of 49.4%, a frequency which may be consistent with it being of germline origin. This variant, to our knowledge, has not been reported in the medical literature but has been reported in the ClinVar database as a germline variant of uncertain significance by one submitter (Variation ID: 2430407). This variant is only observed on 2/1,613,086 alleles in the general population (gnomAD v4.1.0), indicating it is not a common variant. Computational predictors indicate that the variant is damaging, evidence that correlates with impact to KRIT1 function. Due to limited information, and based on ACMG/AMP guidelines for variant interpretation (Richards S et al., PMID: 25741868), the clinical significance of this variant is uncertain at this time.

GeneDx
Classification: Uncertain significance. Last evaluated: 2022-08-16. Review status: criteria provided, single submitter. Criteria: GeneDx Variant Classification Process June 2021. Collection method: clinical testing. Allele origin: germline. Affected: yes.
Comment: Not observed at significant frequency in large population cohorts (gnomAD); In silico analysis supports that this missense variant has a deleterious effect on protein structure/function; In silico analysis suggests this variant may impact gene splicing. In the absence of RNA/functional studies, the actual effect of this sequence change is unknown.; Has not been previously published as pathogenic or benign to our knowledge